The following is an entry in ClinVar:

NM_025219.3(DNAJC5):c.189G>A (p.Ala63=)

Gene: DNAJC5 (DnaJ heat shock protein family (Hsp40) member C5; plus strand). Cytogenetic location: 20q13.33.
Variant type: single nucleotide variant.
Coding change: c.189G>A on transcript NM_025219.3 (MANE Select); coding-DNA position 189, G replaced by A.
Protein change: p.Ala63=; no amino-acid change (alanine 63 retained).
Molecular consequence: synonymous variant.
Genome position (GRCh38, 1-based): chr20:63,929,393, G>A. VCF-style: chr20-63929393-G-A. GRCh37 (hg19) VCF-style: chr20-62560746-G-A.
Identifiers: ClinVar variation 390170 (VCV000390170.12), dbSNP rs746052000, ClinGen allele CA9969666.

ClinVar aggregate classification (germline): Likely benign. Review status: criteria provided, multiple submitters, no conflicts (2 of 4 stars). 4 submissions from 4 submitters: Likely benign (4). Last evaluated 2026-07-01.

Conditions:
Neuronal ceroid lipofuscinosis. Also called: Neuronal Ceroid Lipofuscinoses. Identifiers: Orphanet 216, Orphanet 79263, MedGen C0027877, MONDO:0016295. Disease mechanism: loss of function.

Allele frequency attached by ClinVar (database versions not stated): ExAC 0.00002; gnomAD exomes 0.00002; gnomAD 0.00003.
gnomAD v4.1: 65 of 1,614,000 alleles (0.004%); highest among the groups gnomAD compares: Middle Eastern, 0.066%; no homozygotes.

Submissions (4):

CeGaT Center for Human Genetics Tuebingen
Classification: Likely benign. Last evaluated: 2026-07-01. Review status: criteria provided, single submitter. Criteria: CeGaT Center For Human Genetics Tuebingen Variant Classification Criteria Version 2. Collection method: clinical testing. Allele origin: germline. Affected: yes. Observed: 1 variant allele.
Comment: DNAJC5: BP4, BP7

Labcorp Genetics (formerly Invitae), Labcorp
Classification: Likely benign for Neuronal ceroid lipofuscinosis. Last evaluated: 2026-01-26. Review status: criteria provided, single submitter. Criteria: Invitae Variant Classification Sherloc (09022015). Collection method: clinical testing. Allele origin: germline.

Blueprint Genetics
Classification: Likely benign. Last evaluated: 2024-09-11. Review status: criteria provided, single submitter. Criteria: ACMG Guidelines, 2015. Collection method: clinical testing. Allele origin: germline.

GeneDx
Classification: Likely benign. Last evaluated: 2016-10-26. Review status: criteria provided, single submitter. Criteria: GeneDx Variant Classification (06012015). Collection method: clinical testing. Allele origin: germline. Affected: yes.
Comment: This variant is considered likely benign or benign based on one or more of the following criteria: it is a conservative change, it occurs at a poorly conserved position in the protein, it is predicted to be benign by multiple in silico algorithms, and/or has population frequency not consistent with disease.